The following is an entry in ClinVar:

NM_001377.3(DYNC2H1):c.9380A>G (p.Lys3127Arg)

Gene: DYNC2H1 (dynein cytoplasmic 2 heavy chain 1; plus strand). Cytogenetic location: 11q22.3.
Variant type: single nucleotide variant.
Coding change: c.9380A>G on transcript NM_001377.3 (MANE Select); coding-DNA position 9380, A replaced by G.
Protein change: p.Lys3127Arg; replaces lysine 3127 with arginine.
Molecular consequence: missense variant.
Genome position (GRCh38, 1-based): chr11:103,231,286, A>G. VCF-style: chr11-103231286-A-G. GRCh37 (hg19) VCF-style: chr11-103102015-A-G.
Other names: c.9380A>G, p.Lys3127Arg (NM_001080463.2); short protein forms K3127R.
Identifiers: ClinVar variation 2197555 (VCV002197555.4), dbSNP rs1863998154, ClinGen allele CA382239725.

ClinVar aggregate classification (germline): Uncertain significance (1 of 4 stars; one submission).

Conditions:
Jeune thoracic dystrophy. Also called: Jeune syndrome; Infantile thoracic dystrophy; Thoracic pelvic phalangeal dystrophy; Jeune's syndrome; Chondroectodermal dysplasia-like syndrome; Short-rib thoracic dysplasia. Identifiers: Orphanet 474, MedGen C0265275, MONDO:0018770.

Allele frequency attached by ClinVar (database versions not stated): gnomAD 0.00001.
gnomAD v4.1: 1 of 1,605,870 alleles (0.000062%); highest among the groups gnomAD compares: African/African-American, 0.0013%; no homozygotes.

Submission:

Labcorp Genetics (formerly Invitae), Labcorp
Classification: Uncertain significance for Jeune thoracic dystrophy. Last evaluated: 2022-08-23. Review status: criteria provided, single submitter. Criteria: Invitae Variant Classification Sherloc (09022015). Collection method: clinical testing. Allele origin: germline.
Comment: This variant has not been reported in the literature in individuals affected with DYNC2H1-related conditions. This variant is not present in population databases (gnomAD no frequency). This sequence change replaces lysine, which is basic and polar, with arginine, which is basic and polar, at codon 3127 of the DYNC2H1 protein (p.Lys3127Arg). Advanced modeling of protein sequence and biophysical properties (such as structural, functional, and spatial information, amino acid conservation, physicochemical variation, residue mobility, and thermodynamic stability) performed at Invitae indicates that this missense variant is not expected to disrupt DYNC2H1 protein function. In summary, the available evidence is currently insufficient to determine the role of this variant in disease. Therefore, it has been classified as a Variant of Uncertain Significance.